The following is an entry in ClinVar:

ClinVar aggregate classification (germline): Uncertain significance (1 of 4 stars; one submission).

Conditions:
Hereditary cancer-predisposing syndrome. Also called: Neoplastic Syndromes, Hereditary; Tumor predisposition; Hereditary neoplastic syndrome; Hereditary Cancer Syndrome. Identifiers: Orphanet 140162, MedGen C0027672, MeSH D009386, MONDO:0015356.

Submission:

Ambry Genetics
Classification: Uncertain significance for Hereditary cancer-predisposing syndrome. Last evaluated: 2026-07-06. Review status: criteria provided, single submitter. Criteria: Ambry Variant Classification Scheme 2023. Collection method: clinical testing. Allele origin: germline.
Comment: The p.A103T variant (also known as c.307G>A), located in coding exon 3 of the RAD51D gene, results from a G to A substitution at nucleotide position 307. The alanine at codon 103 is replaced by threonine, an amino acid with similar properties. This amino acid position is conserved. In addition, this alteration is predicted to be tolerated by in silico analysis. Based on the available evidence, the clinical significance of this variant remains unclear.

NM_002878.4(RAD51D):c.263+1626G>A

Genes: RAD51D (RAD51 paralog D; minus strand), RAD51L3-RFFL (RAD51L3-RFFL readthrough; minus strand). Cytogenetic location: 17q12.
Variant type: single nucleotide variant.
Coding change: c.263+1626G>A on transcript NM_002878.4 (MANE Select); 1626 bases into the intron after coding-DNA position 263, G replaced by A.
Molecular consequence: intron variant. On other transcripts: missense variant (1).
Genome position (GRCh38, 1-based): chr17:35,116,875, C>T on the plus strand (G>A on the coding strand, the complement: RAD51D is on the minus strand). VCF-style: chr17-35116875-C-T. GRCh37 (hg19) VCF-style: chr17-33443894-C-T.
Other names: c.307G>A, p.Ala103Thr (NM_001142571.2); c.144+2236G>A (NM_133629.3); short protein forms A103T.
Identifiers: ClinVar variation 5027831 (VCV005027831.1).